The following is an entry in ClinVar:

ClinVar aggregate classification (germline): Uncertain significance (1 of 4 stars; one submission).

Conditions:
DYRK1B-related disorder. Also called: DYRK1B-related condition.

Submission:

PreventionGenetics, part of Exact Sciences
Classification: Uncertain significance for DYRK1B-related condition. Last evaluated: 2024-10-19. Review status: criteria provided, single submitter. Criteria: ACMG Guidelines, 2015. Collection method: clinical testing. Allele origin: germline.
Comment: The DYRK1B c.1667C>G variant is predicted to result in the amino acid substitution p.Thr556Ser. To our knowledge, this variant has not been reported in the literature or in a large population database (gnomAD), indicating this variant is rare. At this time, the clinical significance of this variant is uncertain due to the absence of conclusive functional and genetic evidence.

NM_004714.3(DYRK1B):c.1667C>G (p.Thr556Ser)

Gene: DYRK1B (dual specificity tyrosine phosphorylation regulated kinase 1B; minus strand). Cytogenetic location: 19q13.2.
Variant type: single nucleotide variant.
Coding change: c.1667C>G on transcript NM_004714.3 (MANE Select); coding-DNA position 1667, C replaced by G.
Protein change: p.Thr556Ser; replaces threonine 556 with serine.
Molecular consequence: missense variant.
Genome position (GRCh38, 1-based): chr19:39,825,938, G>C on the plus strand (C>G on the coding strand, the complement: DYRK1B is on the minus strand). VCF-style: chr19-39825938-G-C. GRCh37 (hg19) VCF-style: chr19-40316578-G-C.
Other names: c.1547C>G, p.Thr516Ser (NM_006483.3); c.1583C>G, p.Thr528Ser (NM_006484.3); short protein forms T516S, T556S, T528S.
Identifiers: ClinVar variation 4996932 (VCV004996932.1).